The following is an entry in ClinVar:

ClinVar aggregate classification (germline): Uncertain significance. Review status: criteria provided, multiple submitters, no conflicts (2 of 4 stars). 3 submissions from 3 submitters: Uncertain significance (3). Last evaluated 2024-12-20.

Conditions:
Lynch syndrome 5 (LYNCH5). Also called: Colorectal cancer, hereditary nonpolyposis, type 5; Hereditary non-polyposis colorectal cancer, type 5. Identifiers: Orphanet 144, MedGen C1833477, MONDO:0013710, OMIM 614350. Disease mechanism: loss of function.
Hereditary nonpolyposis colorectal neoplasms. Identifiers: MedGen C0009405, MeSH D003123.
Hereditary cancer-predisposing syndrome. Also called: Neoplastic Syndromes, Hereditary; Tumor predisposition; Hereditary neoplastic syndrome; Hereditary Cancer Syndrome. Identifiers: Orphanet 140162, MedGen C0027672, MeSH D009386, MONDO:0015356.

Allele frequency attached by ClinVar (database versions not stated): gnomAD exomes below 0.00001; gnomAD 0.00001.
gnomAD v4.1: 2 of 1,614,026 alleles (0.00012%); highest among the groups gnomAD compares: African/African-American, 0.0027%; no homozygotes.

Submissions (3):

Ambry Genetics
Classification: Uncertain significance for Hereditary cancer-predisposing syndrome. Last evaluated: 2024-12-20. Review status: criteria provided, single submitter. Criteria: Ambry Variant Classification Scheme 2023. Collection method: clinical testing. Allele origin: germline.
Comment: The p.I795M variant (also known as c.2385A>G), located in coding exon 4 of the MSH6 gene, results from an A to G substitution at nucleotide position 2385. The isoleucine at codon 795 is replaced by methionine, an amino acid with highly similar properties. This amino acid position is not well conserved in available vertebrate species. In addition, the in silico prediction for this alteration is inconclusive. Based on the available evidence, the clinical significance of this variant remains unclear.

Labcorp Genetics (formerly Invitae), Labcorp
Classification: Uncertain significance for Hereditary nonpolyposis colorectal neoplasms. Last evaluated: 2023-04-07. Review status: criteria provided, single submitter. Criteria: Invitae Variant Classification Sherloc (09022015). Collection method: clinical testing. Allele origin: germline.
Comment: In summary, the available evidence is currently insufficient to determine the role of this variant in disease. Therefore, it has been classified as a Variant of Uncertain Significance. Advanced modeling of protein sequence and biophysical properties (such as structural, functional, and spatial information, amino acid conservation, physicochemical variation, residue mobility, and thermodynamic stability) performed at Invitae indicates that this missense variant is not expected to disrupt MSH6 protein function. This sequence change replaces isoleucine, which is neutral and non-polar, with methionine, which is neutral and non-polar, at codon 795 of the MSH6 protein (p.Ile795Met). This variant is not present in population databases (gnomAD no frequency). This variant has not been reported in the literature in individuals affected with MSH6-related conditions. ClinVar contains an entry for this variant (Variation ID: 580724).

St. Jude Molecular Pathology, St. Jude Children's Research Hospital
Classification: Uncertain significance for Lynch syndrome 5. Last evaluated: 2023-01-11. Review status: criteria provided, single submitter. Criteria: St. Jude Assertion Criteria 2020. Collection method: clinical testing. Allele origin: germline.
Comment: The MSH6 c.2385A>G (p.Ile795Met) missense change is absent in gnomAD v2.1.1. The in silico tool REVEL is inconclusive about a pathogenic or benign effect of this variant on protein function, and to our knowledge functional studies have not been performed. To our knowledge, this variant has not been reported in individuals with Lynch syndrome or constitutional mismatch repair deficiency. In summary, the evidence currently available is insufficient to determine the clinical significance of this variant. It has therefore been classified as of uncertain significance.

NM_000179.3(MSH6):c.2385A>G (p.Ile795Met)

Gene: MSH6 (mutS homolog 6; plus strand). Cytogenetic location: 2p16.3.
Variant type: single nucleotide variant.
Coding change: c.2385A>G on transcript NM_000179.3 (MANE Select); coding-DNA position 2385, A replaced by G.
Protein change: p.Ile795Met; replaces isoleucine 795 with methionine.
Molecular consequence: missense variant.
Genome position (GRCh38, 1-based): chr2:47,800,368, A>G. VCF-style: chr2-47800368-A-G. GRCh37 (hg19) VCF-style: chr2-48027507-A-G.
Other names: c.1995A>G, p.Ile665Met (NM_001281492.2); c.1479A>G, p.Ile493Met (NM_001281493.2, NM_001281494.2); short protein forms I795M, I493M, I665M.
Identifiers: ClinVar variation 580724 (VCV000580724.10), dbSNP rs1558665293, ClinGen allele CA346753787.
Genomic context (GRCh38, chr2:47,800,368, plus strand): 5'-GCAATGGCTTTGTGCCCCACTCTGTAACCATTATGCTATTAATGATCGTCTAGATGCCAT[A>G]GAAGACCTCATGGTTGTGCCTGACAAAATCTCCGAAGTTGTAGAGCTTCTAAAGAAGCTT-3'
Protein context (NP_000170.1, residues 785-805): HYAINDRLDA[Ile795Met]EDLMVVPDKI